The following is an entry in ClinVar:

NM_000448.3(RAG1):c.882G>T (p.Gln294His)

Gene: RAG1 (recombination activating 1; plus strand). Cytogenetic location: 11p12.
Variant type: single nucleotide variant.
Coding change: c.882G>T on transcript NM_000448.3 (MANE Select); coding-DNA position 882, G replaced by T.
Protein change: p.Gln294His; replaces glutamine 294 with histidine.
Molecular consequence: missense variant.
Genome position (GRCh38, 1-based): chr11:36,574,186, G>T. VCF-style: chr11-36574186-G-T. GRCh37 (hg19) VCF-style: chr11-36595736-G-T.
Other names: c.882G>T, p.Gln294His (NM_001377277.1, NM_001377278.1, NM_001377279.1 and 1 more transcripts); short protein forms Q294H.
Identifiers: ClinVar variation 2090854 (VCV002090854.4), dbSNP rs1157766585, ClinGen allele CA380150314.
Genomic context (GRCh38, chr11:36,574,186, plus strand): 5'-TAGTACCAAGCTCCTTGCAGTGGACTTCCCAGAGCACTTTGTGAAATCCATCTCCTGCCA[G>T]ATCTGTGAACACATTCTGGCTGACCCTGTGGAGACCAACTGTAAGCATGTCTTTTGCCGG-3'
Protein context (NP_000439.2, residues 284-304): PEHFVKSISC[Gln294His]ICEHILADPV

ClinVar aggregate classification (germline): Uncertain significance (1 of 4 stars; one submission).

Conditions:
Severe combined immunodeficiency, autosomal recessive, T cell-negative, B cell-negative, NK cell-positive. Also called: SCID, T CELL-NEGATIVE, B CELL-NEGATIVE, NK CELL-POSITIVE; Severe combined immunodeficiency due to complete RAG1/2 deficiency; SCID, AR, T-cell negative, B-cell negative, NK cell-positive. Identifiers: Orphanet 331206, MedGen C1832322, MONDO:0011086, OMIM 601457.
Combined immunodeficiency with skin granulomas. Identifiers: Orphanet 157949, MedGen C2673536, MONDO:0009306, OMIM 233650.

gnomAD v4.1: 1 of 1,614,194 alleles (0.000062%); no homozygotes.

Submission:

Labcorp Genetics (formerly Invitae), Labcorp
Classification: Uncertain significance for Combined immunodeficiency with skin granulomas; Severe combined immunodeficiency, autosomal recessive, T cell-negative, B cell-negative, NK cell-positive. Last evaluated: 2022-02-07. Review status: criteria provided, single submitter. Criteria: Invitae Variant Classification Sherloc (09022015). Collection method: clinical testing. Allele origin: germline.
Comment: This variant is present in population databases (no rsID available, gnomAD 0.002%). This sequence change replaces glutamine, which is neutral and polar, with histidine, which is basic and polar, at codon 294 of the RAG1 protein (p.Gln294His). This variant has not been reported in the literature in individuals affected with RAG1-related conditions. In summary, the available evidence is currently insufficient to determine the role of this variant in disease. Therefore, it has been classified as a Variant of Uncertain Significance. Advanced modeling of protein sequence and biophysical properties (such as structural, functional, and spatial information, amino acid conservation, physicochemical variation, residue mobility, and thermodynamic stability) performed at Invitae indicates that this missense variant is not expected to disrupt RAG1 protein function.